The following continues an entry in ClinVar:

NM_001122955.4(BSCL2):c.461C>T (p.Ser154Leu)

ClinVar aggregate classification (germline): Pathogenic/Likely pathogenic. Pathogenic (8); Likely pathogenic (1).

Submissions 11 to 17 of 17:

Foundation for Research in Genetics and Endocrinology, FRIGE's Institute of Human Genetics
Classification: Likely pathogenic for Hereditary spastic paraplegia 17. Last evaluated: 2017-10-23. Review status: no assertion criteria provided. Collection method: clinical testing. Allele origin: germline. Inheritance: Autosomal dominant inheritance. Affected: yes. Observed: 1 variant allele, 1 homozygote. Not counted in ClinVar's aggregate classification.
Comment: Variant c.461C>T (p.S154L) has not been reported in 1000 genomes and ExAC databases. The in silico prediction of the variant are possibly damaging by PolyPhen-2 and damaging by SIFT and MutationTaster2.

Inherited Neuropathy Consortium Ii, University Of Miami
Classification: Uncertain significance for Berardinelli-Seip congenital lipodystrophy. Last evaluated: 2016-01-06. Review status: no assertion criteria provided. Collection method: literature only. Allele origin: germline. Affected: yes. Not counted in ClinVar's aggregate classification.

OMIM
Classification: Pathogenic for SILVER SPASTIC PARAPLEGIA SYNDROME. Last evaluated: 2010-09-01. Review status: no assertion criteria provided. Collection method: literature only. Allele origin: germline. Not counted in ClinVar's aggregate classification.

OMIM
Classification: Pathogenic for NEURONOPATHY, DISTAL HEREDITARY MOTOR, AUTOSOMAL DOMINANT 13. Last evaluated: 2010-09-01. Review status: no assertion criteria provided. Collection method: literature only. Allele origin: germline. Not counted in ClinVar's aggregate classification.

Clinical Genetics, Academic Medical Center
Classification: Pathogenic. Review status: no assertion criteria provided. Collection method: clinical testing. Allele origin: germline. Affected: yes. Study: VKGL Data-share Consensus. Not counted in ClinVar's aggregate classification.

GeneReviews
No classification provided. Condition: Hereditary spastic paraplegia 17. Review status: no classification provided. Collection method: literature only. Allele origin: germline. Not counted in ClinVar's aggregate classification.

Joint Genome Diagnostic Labs from Nijmegen and Maastricht, Radboudumc and MUMC+
Classification: Pathogenic. Review status: no assertion criteria provided. Collection method: clinical testing. Allele origin: germline. Affected: yes. Study: VKGL Data-share Consensus. Not counted in ClinVar's aggregate classification.

Literature cited by the submitters: PubMed 25832430 (cited by 3 submitters); PubMed 21957196 (cited by 3 submitters); PubMed 20806400 (cited by 4 submitters); PubMed 17486577 (cited by 4 submitters); PubMed 14981520 (cited by 6 submitters); PubMed 34504732 (cited by Dasa); PubMed 25487175 (cited by 4 submitters); PubMed 23142943 (cited by 3billion); PubMed 24604904 (cited by 4 submitters); PubMed 26815532 (cited by Labcorp Genetics (formerly Invitae), Labcorp and Athena Diagnostics); PubMed 17387721 (cited by 3 submitters); PubMed 34232518 (cited by Women's Health and Genetics/Laboratory Corporation of America, LabCorp); PubMed 31475473 (cited by Athena Diagnostics); PubMed 27027447 (cited by Athena Diagnostics); PubMed 27738760 (cited by Athena Diagnostics); PubMed 27862672 (cited by Athena Diagnostics); PubMed 31372974 (cited by Athena Diagnostics); PubMed 26989944 (cited by Athena Diagnostics); PubMed 28362824 (cited by Athena Diagnostics); PubMed 11479539 (cited by Inherited Neuropathy Consortium Ii, University Of Miami).